The following is an entry in ClinVar:

ClinVar aggregate classification (germline): Conflicting classifications of pathogenicity. Review status: criteria provided, conflicting classifications (1 of 4 stars). 3 submissions from 3 submitters: Uncertain significance (1); Likely benign (2). Last evaluated 2024-11-05.

Conditions:
Inborn genetic diseases. Identifiers: MedGen C0950123, MeSH D030342.
Joubert syndrome 25 (JBTS25). Identifiers: Orphanet 475, MedGen C4084842, MONDO:0014770, OMIM 616781.

Allele frequency attached by ClinVar (database versions not stated): ExAC 0.00018; ESP Exome Variant Server 0.00023; gnomAD 0.00023 and 0.00025; gnomAD exomes 0.00023; TOPMed 0.00023.
gnomAD v4.1: 263 of 1,614,216 alleles (0.016%); highest among the groups gnomAD compares: Middle Eastern, 0.033%; no homozygotes.

Submissions (3):

Blueprint Genetics
Classification: Likely benign. Last evaluated: 2024-11-05. Review status: criteria provided, single submitter. Criteria: ACMG Guidelines, 2015. Collection method: clinical testing. Allele origin: germline.

Labcorp Genetics (formerly Invitae), Labcorp
Classification: Uncertain significance for Joubert syndrome 25. Last evaluated: 2023-12-19. Review status: criteria provided, single submitter. Criteria: Invitae Variant Classification Sherloc (09022015). Collection method: clinical testing. Allele origin: germline.
Comment: This sequence change replaces arginine, which is basic and polar, with histidine, which is basic and polar, at codon 311 of the CEP104 protein (p.Arg311His). This variant is present in population databases (rs140022279, gnomAD 0.08%). This variant has not been reported in the literature in individuals affected with CEP104-related conditions. ClinVar contains an entry for this variant (Variation ID: 965820). Algorithms developed to predict the effect of missense changes on protein structure and function output the following: SIFT: "Not Available"; PolyPhen-2: "Benign"; Align-GVGD: "Not Available". The histidine amino acid residue is found in multiple mammalian species, which suggests that this missense change does not adversely affect protein function. In summary, the available evidence is currently insufficient to determine the role of this variant in disease. Therefore, it has been classified as a Variant of Uncertain Significance.

Ambry Genetics
Classification: Likely benign for Inborn genetic diseases. Last evaluated: 2022-01-31. Review status: criteria provided, single submitter. Criteria: Ambry Variant Classification Scheme 2023. Collection method: clinical testing. Allele origin: germline.

NM_014704.4(CEP104):c.932G>A (p.Arg311His)

Gene: CEP104 (centrosomal protein 104; minus strand). Cytogenetic location: 1p36.32.
Variant type: single nucleotide variant.
Coding change: c.932G>A on transcript NM_014704.4 (MANE Select); coding-DNA position 932, G replaced by A.
Protein change: p.Arg311His; replaces arginine 311 with histidine.
Molecular consequence: missense variant.
Genome position (GRCh38, 1-based): chr1:3,837,479, C>T on the plus strand (G>A on the coding strand, the complement: CEP104 is on the minus strand). VCF-style: chr1-3837479-C-T. GRCh37 (hg19) VCF-style: chr1-3754043-C-T.
Other names: short protein forms R311H.
Identifiers: ClinVar variation 965820 (VCV000965820.8), dbSNP rs140022279, ClinGen allele CA551764.
Genomic context (GRCh38, chr1:3,837,479, plus strand): 5'-CCTCTTTCTTCCAGTTGTGGTAGTGAGGGCATTGGCTTTTGGTGGCAAGGACTGCCAGAA[C>T]GAGCGAGGGGCTGGAGGGGCAAATCAAAAGGTCTTCGCATCTAGAGAACAAAAAGGAACA-3'
Protein context (NP_055519.1, residues 301-321): PFDLPLQPLA[Arg311His]SGSPCHQKPM